The following is an entry in ClinVar:

ClinVar aggregate classification (germline): Uncertain significance. Review status: criteria provided, multiple submitters, no conflicts (2 of 4 stars). 2 submissions from 2 submitters: Uncertain significance (2). Last evaluated 2025-10-29.

Conditions:
Inborn genetic diseases. Identifiers: MedGen C0950123, MeSH D030342.
Hyperekplexia 2 (HKPX2). Identifiers: Orphanet 3197, MedGen C3553291, MONDO:0013828, OMIM 614619.

Allele frequency attached by ClinVar (database versions not stated): gnomAD 0.00001.
gnomAD v4.1: 3 of 1,610,986 alleles (0.00019%); highest among the groups gnomAD compares: African/African-American, 0.004%; no homozygotes.

Submissions (2):

Ambry Genetics
Classification: Uncertain significance for Inborn genetic diseases. Last evaluated: 2025-10-29. Review status: criteria provided, single submitter. Criteria: Ambry Variant Classification Scheme 2023. Collection method: clinical testing. Allele origin: germline.

Labcorp Genetics (formerly Invitae), Labcorp
Classification: Uncertain significance for Hyperekplexia 2. Last evaluated: 2022-06-27. Review status: criteria provided, single submitter. Criteria: Invitae Variant Classification Sherloc (09022015). Collection method: clinical testing. Allele origin: germline.
Comment: This sequence change replaces aspartic acid, which is acidic and polar, with asparagine, which is neutral and polar, at codon 429 of the GLRB protein (p.Asp429Asn). This variant is present in population databases (no rsID available, gnomAD 0.008%). This variant has not been reported in the literature in individuals affected with GLRB-related conditions. Advanced modeling of protein sequence and biophysical properties (such as structural, functional, and spatial information, amino acid conservation, physicochemical variation, residue mobility, and thermodynamic stability) performed at Invitae indicates that this missense variant is not expected to disrupt GLRB protein function. In summary, the available evidence is currently insufficient to determine the role of this variant in disease. Therefore, it has been classified as a Variant of Uncertain Significance.

NM_000824.5(GLRB):c.1285G>A (p.Asp429Asn)

Gene: GLRB (glycine receptor beta; plus strand). Cytogenetic location: 4q32.1.
Variant type: single nucleotide variant.
Coding change: c.1285G>A on transcript NM_000824.5 (MANE Select); coding-DNA position 1285, G replaced by A.
Protein change: p.Asp429Asn; replaces aspartic acid 429 with asparagine.
Molecular consequence: missense variant. On other transcripts: 3 prime UTR variant (1).
Genome position (GRCh38, 1-based): chr4:157,170,519, G>A. VCF-style: chr4-157170519-G-A. GRCh37 (hg19) VCF-style: chr4-158091671-G-A.
Other names: c.1285G>A (NM_000824.4); c.1285G>A, p.Asp429Asn (NM_001166060.2); c.*80G>A (NM_001166061.2); short protein forms D429N.
Identifiers: ClinVar variation 1405598 (VCV001405598.5), dbSNP rs1302907815, ClinGen allele CA358645055.